The following is an entry in ClinVar:

ClinVar aggregate classification (germline): Uncertain significance. Review status: criteria provided, multiple submitters, no conflicts (2 of 4 stars). 3 submissions from 3 submitters: Uncertain significance (2). 1 of the submissions does not count toward it. Last evaluated 2026-09-01.

Conditions:
Nemaline myopathy 2 (NEM2). Also called: Nemaline myopathy 2, autosomal recessive. Identifiers: MedGen C1850569, MONDO:0009725, OMIM 256030.
NEB-related disorder. Also called: NEB-Related Disorders; NEB-related condition.

Allele frequency attached by ClinVar (database versions not stated): gnomAD exomes below 0.00001 and 0.00001; TOPMed below 0.00001; ExAC 0.00002; gnomAD 0.00003.
gnomAD v4.1: 9 of 1,613,800 alleles (0.00056%); highest among the groups gnomAD compares: Non-Finnish European, 0.00076%; no homozygotes.

Submissions (3):

CeGaT Center for Human Genetics Tuebingen
Classification: Uncertain significance. Last evaluated: 2026-09-01. Review status: criteria provided, single submitter. Criteria: CeGaT Center For Human Genetics Tuebingen Variant Classification Criteria Version 2. Collection method: clinical testing. Allele origin: germline. Affected: yes. Observed: 1 variant allele.
Comment: NEB: PM2

PreventionGenetics, part of Exact Sciences
Classification: Uncertain significance for NEB-related condition. Last evaluated: 2023-07-27. Review status: criteria provided, single submitter. Criteria: ACMG Guidelines, 2015. Collection method: clinical testing. Allele origin: germline.
Comment: The NEB c.25104G>C variant is predicted to result in the amino acid substitution p.Gln8368His. To our knowledge, this variant has not been reported in the literature. This variant is reported in 0.0018% of alleles in individuals of European (Non-Finnish) descent in gnomAD. At this time, the clinical significance of this variant is uncertain due to the absence of conclusive functional and genetic evidence.

Natera, Inc.
Classification: Uncertain significance for Nemaline myopathy type 2. Last evaluated: 2020-09-04. Review status: no assertion criteria provided. Collection method: clinical testing. Allele origin: germline. Not counted in ClinVar's aggregate classification.

NM_001164508.2(NEB):c.24999G>C (p.Gln8333His)

Genes: NEB (nebulin; minus strand), RIF1 (replication timing regulatory factor 1; plus strand). Cytogenetic location: 2q23.3.
Variant type: single nucleotide variant.
Coding change: c.24999G>C on transcript NM_001164508.2 (MANE Select); coding-DNA position 24999, G replaced by C.
Protein change: p.Gln8333His; replaces glutamine 8333 with histidine.
Molecular consequence: missense variant.
Genome position (GRCh38, 1-based): chr2:151,492,156, C>G on the plus strand (G>C on the coding strand, the complement: NEB is on the minus strand). VCF-style: chr2-151492156-C-G. GRCh37 (hg19) VCF-style: chr2-152348670-C-G.
Other names: c.25104G>C, p.Gln8368His (NM_001271208.2); c.25104G>C (NM_001271208.1); c.24999G>C, p.Gln8333His (NM_001164507.2); c.19431G>C, p.Gln6477His (NM_004543.5); short protein forms Q6477H, Q8333H, Q8368H.
Identifiers: ClinVar variation 991193 (VCV000991193.3), dbSNP rs774663967, ClinGen allele CA1905853.